The following is an entry in ClinVar:

ClinVar aggregate classification (germline): Likely benign (1 of 4 stars; one submission).

Allele frequency attached by ClinVar (database versions not stated): gnomAD 0.00001; gnomAD exomes 0.00001; TOPMed 0.00002; ExAC 0.00003.
gnomAD v4.1: 17 of 1,607,066 alleles (0.0011%); highest among the groups gnomAD compares: Admixed American, 0.0034%; no homozygotes.

Submission:

CeGaT Center for Human Genetics Tuebingen
Classification: Likely benign. Last evaluated: 2022-06-01. Review status: criteria provided, single submitter. Criteria: CeGaT Center For Human Genetics Tuebingen Variant Classification Criteria Version 2. Collection method: clinical testing. Allele origin: germline. Affected: yes. Observed: 1 variant allele.
Comment: DGKZ: BP4, BP7

NM_001199267.2(DGKZ):c.1605G>A (p.Ala535=)

Gene: DGKZ (diacylglycerol kinase zeta; plus strand). Cytogenetic location: 11p11.2.
Variant type: single nucleotide variant.
Coding change: c.1605G>A on transcript NM_001199267.2 (MANE Select); coding-DNA position 1605, G replaced by A.
Protein change: p.Ala535=; no amino-acid change (alanine 535 retained).
Molecular consequence: synonymous variant.
Genome position (GRCh38, 1-based): chr11:46,374,943, G>A. VCF-style: chr11-46374943-G-A. GRCh37 (hg19) VCF-style: chr11-46396493-G-A.
Other names: c.2172G>A, p.Ala724= (NM_001105540.2); c.1608G>A, p.Ala536= (NM_001199266.2, NM_003646.4); c.1539G>A, p.Ala513= (NM_001199268.2); c.1656G>A, p.Ala552= (NM_201532.3); c.1620G>A, p.Ala540= (NM_201533.3).
Identifiers: ClinVar variation 2641746 (VCV002641746.24), dbSNP rs777145723, ClinGen allele CA5962926.